The following is an entry in ClinVar:

NM_007194.4(CHEK2):c.913G>C (p.Glu305Gln)

Gene: CHEK2 (checkpoint kinase 2; minus strand). Cytogenetic location: 22q12.1.
Variant type: single nucleotide variant.
Coding change: c.913G>C on transcript NM_007194.4 (MANE Select); coding-DNA position 913, G replaced by C.
Protein change: p.Glu305Gln; replaces glutamic acid 305 with glutamine.
Molecular consequence: missense variant.
Genome position (GRCh38, 1-based): chr22:28,699,933, C>G on the plus strand (G>C on the coding strand, the complement: CHEK2 is on the minus strand). VCF-style: chr22-28699933-C-G. GRCh37 (hg19) VCF-style: chr22-29095921-C-G.
Other names: c.1042G>C, p.Glu348Gln (NM_001005735.3); c.250G>C, p.Glu84Gln (NM_001257387.3); c.712G>C, p.Glu238Gln (NM_001349956.3); c.913G>C, p.Glu305Gln (NM_145862.3); short protein forms E348Q, E305Q, E84Q, E238Q.
Identifiers: ClinVar variation 2775069 (VCV002775069.1), dbSNP rs2145845071, ClinGen allele CA411100187.

ClinVar aggregate classification (germline): Uncertain significance (1 of 4 stars; one submission).

Conditions:
Hereditary cancer-predisposing syndrome. Also called: Neoplastic Syndromes, Hereditary; Tumor predisposition; Hereditary Cancer Syndrome; Hereditary neoplastic syndrome. Identifiers: Orphanet 140162, MedGen C0027672, MeSH D009386, MONDO:0015356.

Submission:

Color Diagnostics, LLC DBA Color Health
Classification: Uncertain significance for Hereditary cancer-predisposing syndrome. Last evaluated: 2024-03-06. Review status: criteria provided, single submitter. Criteria: ACMG Guidelines, 2015. Collection method: clinical testing. Allele origin: germline.
Comment: This missense variant replaces glutamic acid with glutamine at codon 305 of the CHEK2 protein. Computational prediction suggests that this variant may not impact protein structure and function (internally defined REVEL score threshold <= 0.5, PMID: 27666373). To our knowledge, functional studies have not been reported for this variant. This variant has not been reported in individuals affected with hereditary cancer in the literature. This variant has not been identified in the general population by the Genome Aggregation Database (gnomAD). The available evidence is insufficient to determine the role of this variant in disease conclusively. Therefore, this variant is classified as a Variant of Uncertain Significance.